The following is an entry in ClinVar:

NM_001365308.1(BMPER):c.1352C>T (p.Ala451Val)

Gene: BMPER (BMP binding endothelial regulator; plus strand). Cytogenetic location: 7p14.3.
Variant type: single nucleotide variant.
Coding change: c.1352C>T on transcript NM_001365308.1 (MANE Select); coding-DNA position 1352, C replaced by T.
Protein change: p.Ala451Val; replaces alanine 451 with valine.
Molecular consequence: missense variant. On other transcripts: intron variant (1).
Genome position (GRCh38, 1-based): chr7:34,079,130, C>T. VCF-style: chr7-34079130-C-T. GRCh37 (hg19) VCF-style: chr7-34118742-C-T.
Other names: c.1352C>T, p.Ala451Val (NM_133468.5); c.1079-6626C>T (NM_001410872.1); short protein forms A451V.
Identifiers: ClinVar variation 4777100 (VCV004777100.1).
Genomic context (GRCh38, chr7:34,079,130, plus strand): 5'-GCCTGCAGCAGCACCTCACCGTGCGCTGGAACGGCTCGCGCATCGCGCTCCCCTGCCGCG[C>T]GCCACACTTCCACATCGACCTGGATGGCTACCTCTTGAAAGTGACCACCAAAGCAGGTGG-3'
Protein context (NP_001352237.1, residues 441-461): NGSRIALPCR[Ala451Val]PHFHIDLDGY

ClinVar aggregate classification (germline): Uncertain significance (1 of 4 stars; one submission).

gnomAD v4.1: 12 of 1,613,916 alleles (0.00074%); highest among the groups gnomAD compares: South Asian, 0.0022%; no homozygotes.

Submission:

Labcorp Genetics (formerly Invitae), Labcorp
Classification: Uncertain significance. Last evaluated: 2025-04-18. Review status: criteria provided, single submitter. Criteria: Invitae Variant Classification Sherloc (09022015). Collection method: clinical testing. Allele origin: germline.
Comment: This sequence change replaces alanine, which is neutral and non-polar, with valine, which is neutral and non-polar, at codon 451 of the BMPER protein (p.Ala451Val). This variant is present in population databases (no rsID available, gnomAD 0.003%). This variant has not been reported in the literature in individuals affected with BMPER-related conditions. Invitae Evidence Modeling of protein sequence and biophysical properties (such as structural, functional, and spatial information, amino acid conservation, physicochemical variation, residue mobility, and thermodynamic stability) indicates that this missense variant is not expected to disrupt BMPER protein function with a negative predictive value of 80%. In summary, the available evidence is currently insufficient to determine the role of this variant in disease. Therefore, it has been classified as a Variant of Uncertain Significance.